The following is an entry in ClinVar:

ClinVar aggregate classification (germline): Uncertain significance (1 of 4 stars; one submission).

Submission:

GeneDx
Classification: Uncertain significance. Last evaluated: 2025-05-21. Review status: criteria provided, single submitter. Criteria: GeneDx Variant Classification Process June 2021. Collection method: clinical testing. Allele origin: germline. Affected: yes.
Comment: Not observed at significant frequency in large population cohorts (gnomAD); In silico analysis supports that this missense variant has a deleterious effect on protein structure/function; Has not been previously published as pathogenic or benign to our knowledge

NM_001170629.2(CHD8):c.3820A>G (p.Lys1274Glu)

Gene: CHD8 (chromodomain helicase DNA binding protein 8; minus strand). Cytogenetic location: 14q11.2.
Variant type: single nucleotide variant.
Coding change: c.3820A>G on transcript NM_001170629.2 (MANE Select); coding-DNA position 3820, A replaced by G.
Protein change: p.Lys1274Glu; replaces lysine 1274 with glutamic acid.
Molecular consequence: missense variant.
Genome position (GRCh38, 1-based): chr14:21,402,398, T>C on the plus strand (A>G on the coding strand, the complement: CHD8 is on the minus strand). VCF-style: chr14-21402398-T-C. GRCh37 (hg19) VCF-style: chr14-21870557-T-C.
Other names: c.2983A>G, p.Lys995Glu (NM_020920.4); short protein forms K1274E, K995E.
Identifiers: ClinVar variation 4531132 (VCV004531132.1).